The following is an entry in ClinVar:

NM_020779.4(WDR35):c.2129G>A (p.Arg710His)

Gene: WDR35 (WD repeat domain 35; minus strand). Cytogenetic location: 2p24.1.
Variant type: single nucleotide variant.
Coding change: c.2129G>A on transcript NM_020779.4 (MANE Select); coding-DNA position 2129, G replaced by A.
Protein change: p.Arg710His; replaces arginine 710 with histidine.
Molecular consequence: missense variant.
Genome position (GRCh38, 1-based): chr2:19,937,881, C>T on the plus strand (G>A on the coding strand, the complement: WDR35 is on the minus strand). VCF-style: chr2-19937881-C-T. GRCh37 (hg19) VCF-style: chr2-20137642-C-T.
Other names: c.2162G>A, p.Arg721His (NM_001006657.2); short protein forms R710H, R721H.
Identifiers: ClinVar variation 1211403 (VCV001211403.9), dbSNP rs370797645, ClinGen allele CA1543033.

ClinVar aggregate classification (germline): Uncertain significance. Review status: criteria provided, multiple submitters, no conflicts (2 of 4 stars). 4 submissions from 4 submitters: Uncertain significance (4). Last evaluated 2024-03-25.

Conditions:
Cranioectodermal dysplasia 2 (CED2). Identifiers: Orphanet 1515, MedGen C3150874, MONDO:0013323, OMIM 613610.
Short-rib thoracic dysplasia 7 with or without polydactyly (SRTD7). Also called: Short rib polydactyly syndrome 5; SHORT-RIB THORACIC DYSPLASIA 7 WITH POLYDACTYLY. Identifiers: Orphanet 498497, Orphanet 93271, MedGen C3279792, MONDO:0013569, OMIM 614091.

Allele frequency attached by ClinVar (database versions not stated): ESP Exome Variant Server 0.00008.
gnomAD v4.1: 262 of 1,614,134 alleles (0.016%); highest among the groups gnomAD compares: Middle Eastern, 0.033%; no homozygotes.

Submissions (4):

Genomic Medicine Center of Excellence, King Faisal Specialist Hospital and Research Centre
Classification: Uncertain significance for Cranioectodermal dysplasia 2. Last evaluated: 2024-03-25. Review status: criteria provided, single submitter. Criteria: ACMG Guidelines, 2015. Collection method: clinical testing. Allele origin: germline.

GeneDx
Classification: Uncertain significance. Last evaluated: 2023-07-06. Review status: criteria provided, single submitter. Criteria: GeneDx Variant Classification Process June 2021. Collection method: clinical testing. Allele origin: germline. Affected: yes.
Comment: In silico analysis supports that this missense variant has a deleterious effect on protein structure/function; Has not been previously published as pathogenic or benign to our knowledge

Blueprint Genetics
Classification: Uncertain significance. Last evaluated: 2022-09-07. Review status: criteria provided, single submitter. Criteria: ACMG Guidelines, 2015. Collection method: clinical testing. Allele origin: germline.

Labcorp Genetics (formerly Invitae), Labcorp
Classification: Uncertain significance for Cranioectodermal dysplasia 2; Short-rib thoracic dysplasia 7 with or without polydactyly. Last evaluated: 2022-08-15. Review status: criteria provided, single submitter. Criteria: Invitae Variant Classification Sherloc (09022015). Collection method: clinical testing. Allele origin: germline.
Comment: In summary, the available evidence is currently insufficient to determine the role of this variant in disease. Therefore, it has been classified as a Variant of Uncertain Significance. Algorithms developed to predict the effect of missense changes on protein structure and function output the following: SIFT: "Tolerated"; PolyPhen-2: "Benign"; Align-GVGD: "Class C0". The histidine amino acid residue is found in multiple mammalian species, which suggests that this missense change does not adversely affect protein function. ClinVar contains an entry for this variant (Variation ID: 1211403). This variant has not been reported in the literature in individuals affected with WDR35-related conditions. This variant is present in population databases (rs370797645, gnomAD 0.05%). This sequence change replaces arginine, which is basic and polar, with histidine, which is basic and polar, at codon 721 of the WDR35 protein (p.Arg721His).